The following is an entry in ClinVar:

NM_003073.5(SMARCB1):c.-5C>A

Gene: SMARCB1 (SWI/SNF related BAF chromatin remodeling complex subunit B1; plus strand). Cytogenetic location: 22q11.23.
Variant type: single nucleotide variant.
Coding change: c.-5C>A on transcript NM_003073.5 (MANE Select); 5 bases upstream of the start codon, C replaced by A.
Molecular consequence: 5 prime UTR variant.
Genome position (GRCh38, 1-based): chr22:23,787,165, C>A. VCF-style: chr22-23787165-C-A. GRCh37 (hg19) VCF-style: chr22-24129352-C-A.
Other names: c.-5C>A (NM_001007468.3, NM_001317946.2, NM_001362877.2).
Identifiers: ClinVar variation 3223085 (VCV003223085.1), dbSNP rs2517652370, ClinGen allele CA2825002862.

ClinVar aggregate classification (germline): Uncertain significance (1 of 4 stars; one submission).

Conditions:
Hereditary cancer-predisposing syndrome. Also called: Tumor predisposition; Hereditary neoplastic syndrome; Hereditary Cancer Syndrome; Neoplastic Syndromes, Hereditary. Identifiers: Orphanet 140162, MedGen C0027672, MeSH D009386, MONDO:0015356.

Submission:

Ambry Genetics
Classification: Uncertain significance for Hereditary cancer-predisposing syndrome. Last evaluated: 2023-09-20. Review status: criteria provided, single submitter. Criteria: Ambry Variant Classification Scheme 2023. Collection method: clinical testing. Allele origin: germline.
Comment: The c.-5C>A variant is located in the 5' untranslated region (5&rsquo; UTR) of the SMARCB1 gene. This variant results from a C to A substitution 5 bases upstream from the first translated codon. This nucleotide position is highly conserved in available vertebrate species. Since supporting evidence is limited at this time, the clinical significance of this alteration remains unclear.